The following is an entry in ClinVar:

ClinVar aggregate classification (germline): Conflicting classifications of pathogenicity. Review status: criteria provided, conflicting classifications (1 of 4 stars). 6 submissions from 6 submitters: Uncertain significance (1); Likely benign (5). Last evaluated 2026-09-23.

Conditions:
Dilated cardiomyopathy 1G (CMD1G). Identifiers: Orphanet 154, MedGen C1858763, MONDO:0011400, OMIM 604145.
Autosomal recessive limb-girdle muscular dystrophy type 2J (LGMDR10). Also called: Limb-girdle muscular dystrophy, type 2J; MUSCULAR DYSTROPHY, LIMB-GIRDLE, AUTOSOMAL RECESSIVE 10. Identifiers: Orphanet 140922, MedGen C1837342, MONDO:0012127, OMIM 608807.
TTN-related disorder. Also called: TTN-related condition; TTN-related disease; TTN-related disorders.
Cardiovascular phenotype. Identifiers: MedGen CN230736.

Allele frequency attached by ClinVar (database versions not stated): TOPMed 0.00003; gnomAD 0.00004; gnomAD exomes 0.00005 and 0.00007; ExAC 0.00007; ESP Exome Variant Server 0.00008.
gnomAD v4.1: 79 of 1,613,292 alleles (0.0049%); highest among the groups gnomAD compares: Non-Finnish European, 0.0039%; no homozygotes.

Submissions (6):

PreventionGenetics, part of Exact Sciences
Classification: Likely benign for TTN-related condition. Last evaluated: 2026-09-23. Review status: criteria provided, single submitter. Criteria: ACMG Guidelines, 2015. Collection method: clinical testing. Allele origin: germline.
Comment: This variant is classified as likely benign based on ACMG/AMP sequence variant interpretation guidelines (Richards et al. 2015 PMID: 25741868, with internal and published modifications).

Labcorp Genetics (formerly Invitae), Labcorp
Classification: Likely benign for Dilated cardiomyopathy 1G; Autosomal recessive limb-girdle muscular dystrophy type 2J. Last evaluated: 2026-01-22. Review status: criteria provided, single submitter. Criteria: Invitae Variant Classification Sherloc (09022015). Collection method: clinical testing. Allele origin: germline.

CeGaT Center for Human Genetics Tuebingen
Classification: Likely benign. Last evaluated: 2024-09-01. Review status: criteria provided, single submitter. Criteria: CeGaT Center For Human Genetics Tuebingen Variant Classification Criteria Version 2. Collection method: clinical testing. Allele origin: germline. Affected: yes. Observed: 3 variant alleles.
Comment: TTN: BP4, BP7

Blueprint Genetics
Classification: Likely benign. Last evaluated: 2024-02-05. Review status: criteria provided, single submitter. Criteria: ACMG Guidelines, 2015. Collection method: clinical testing. Allele origin: germline.

Ambry Genetics
Classification: Likely benign for Cardiovascular phenotype. Last evaluated: 2020-07-20. Review status: criteria provided, single submitter. Criteria: Ambry Variant Classification Scheme 2023. Collection method: clinical testing. Allele origin: germline.

Eurofins Ntd Llc (ga)
Classification: Uncertain significance. Last evaluated: 2017-04-05. Review status: criteria provided, single submitter. Criteria: EGL Classification Definitions 2015. Collection method: clinical testing. Allele origin: germline. Observed: 1 variant allele, 1 heterozygote.

NM_001267550.2(TTN):c.73935C>A (p.Gly24645=)

Genes: TTN (titin; minus strand), TTN-AS1 (TTN antisense RNA 1; plus strand). Cytogenetic location: 2q31.2.
Variant type: single nucleotide variant.
Coding change: c.73935C>A on transcript NM_001267550.2 (MANE Select); coding-DNA position 73935, C replaced by A.
Protein change: p.Gly24645=; no amino-acid change (glycine 24645 retained).
Molecular consequence: synonymous variant.
Genome position (GRCh38, 1-based): chr2:178,572,197, G>T on the plus strand (C>A on the coding strand, the complement: TTN is on the minus strand). VCF-style: chr2-178572197-G-T. GRCh37 (hg19) VCF-style: chr2-179436924-G-T.
Other names: c.69012C>A, p.Gly23004= (NM_001256850.1); c.46740C>A, p.Gly15580= (NM_003319.4); c.66231C>A, p.Gly22077= (NM_133378.4); c.47115C>A, p.Gly15705= (NM_133432.3); c.47316C>A, p.Gly15772= (NM_133437.4).
Identifiers: ClinVar variation 501203 (VCV000501203.46), dbSNP rs375726644, ClinGen allele CA1990289.